The following is an entry in ClinVar:

NM_002335.4(LRP5):c.3109A>G (p.Thr1037Ala)

Gene: LRP5 (LDL receptor related protein 5; plus strand). Cytogenetic location: 11q13.2.
Variant type: single nucleotide variant.
Coding change: c.3109A>G on transcript NM_002335.4 (MANE Select); coding-DNA position 3109, A replaced by G.
Protein change: p.Thr1037Ala; replaces threonine 1037 with alanine.
Molecular consequence: missense variant.
Genome position (GRCh38, 1-based): chr11:68,423,570, A>G. VCF-style: chr11-68423570-A-G. GRCh37 (hg19) VCF-style: chr11-68191038-A-G.
Other names: c.1366A>G, p.Thr456Ala (NM_001291902.2); short protein forms T1037A, T456A.
Identifiers: ClinVar variation 1003401 (VCV001003401.8), dbSNP rs2098667033, ClinGen allele CA381620731.
Genomic context (GRCh38, chr11:68,423,570, plus strand): 5'-AGCCAAGGCCAAAACCCAGACAGGCAGCCCCACGACCTCAGCATCGACATCTACAGCCGG[A>G]CACTGTTCTGGACGTGCGAGGCCACCAATACCATCAACGTCCACAGGCTGAGCGGGGAAG-3'
Protein context (NP_002326.2, residues 1027-1047): HDLSIDIYSR[Thr1037Ala]LFWTCEATNT

ClinVar aggregate classification (germline): Uncertain significance (1 of 4 stars; one submission).

Allele frequency attached by ClinVar (database versions not stated): gnomAD exomes below 0.00001.
gnomAD v4.1: 2 of 1,614,212 alleles (0.00012%); highest among the groups gnomAD compares: East Asian, 0.0022%; no homozygotes.

Submission:

Labcorp Genetics (formerly Invitae), Labcorp
Classification: Uncertain significance. Last evaluated: 2021-03-15. Review status: criteria provided, single submitter. Criteria: Invitae Variant Classification Sherloc (09022015). Collection method: clinical testing. Allele origin: germline.
Comment: In summary, the available evidence is currently insufficient to determine the role of this variant in disease. Therefore, it has been classified as a Variant of Uncertain Significance. This sequence change replaces threonine with alanine at codon 1037 of the LRP5 protein (p.Thr1037Ala). The threonine residue is highly conserved and there is a small physicochemical difference between threonine and alanine. This variant is not present in population databases (ExAC no frequency). This variant has not been reported in the literature in individuals with LRP5-related conditions. Advanced modeling of protein sequence and biophysical properties (such as structural, functional, and spatial information, amino acid conservation, physicochemical variation, residue mobility, and thermodynamic stability) performed at Invitae indicates that this missense variant is not expected to disrupt LRP5 protein function.